The following is an entry in ClinVar:

ClinVar aggregate classification (germline): Uncertain significance. Review status: criteria provided, multiple submitters, no conflicts (2 of 4 stars). 3 submissions from 3 submitters: Uncertain significance (3). Last evaluated 2024-04-16.

Conditions:
Cardiomyopathy (CMYO). Also called: Cardiomyopathies. Identifiers: Orphanet 167848, MedGen C0878544, MONDO:0004994, HP:0001638. Inheritance: Various modes of inheritance.
Arrhythmogenic right ventricular dysplasia 5. Also called: ARRHYTHMOGENIC RIGHT VENTRICULAR DYSPLASIA, FAMILIAL, 5; Arrhythmogenic Right Ventricular Dysplasia/Cardiomyopathy 5. Identifiers: MedGen C1858379, MONDO:0011459, OMIM 604400.

Allele frequency attached by ClinVar (database versions not stated): gnomAD below 0.00001 and 0.00001; TOPMed below 0.00001; gnomAD exomes 0.00001 and 0.00002; ExAC 0.00003.
gnomAD v4.1: 15 of 1,614,082 alleles (0.00093%); highest among the groups gnomAD compares: South Asian, 0.016%; no homozygotes.

Submissions (3):

All of Us Research Program, National Institutes of Health
Classification: Uncertain significance for Arrhythmogenic right ventricular dysplasia 5. Last evaluated: 2024-04-16. Review status: criteria provided, single submitter. Criteria: ACMG Guidelines, 2015. Collection method: clinical testing. Allele origin: germline. Inheritance: Autosomal dominant inheritance. Observed: 1 variant allele, 1 heterozygote.
Comment: This missense variant replaces serine with tyrosine at codon 305 of the TMEM43 protein. Computational prediction tool suggests that this variant may not impact protein structure and function (internally defined REVEL score threshold <=0.5, PMID: 27666373). Splice site prediction tools suggest that this variant may not impact RNA splicing. To our knowledge, functional studies have not been performed for this variant. This variant has not been reported in individuals affected with cardiovascular disorders in the literature. This variant has been identified in 6/251454 chromosomes in the general population by the Genome Aggregation Database (gnomAD). The available evidence is insufficient to determine the role of this variant in disease conclusively. Therefore, this variant is classified as a Variant of Uncertain Significance.

This study involves interpretation of variants in research participants for the purpose of population health screening. Participant phenotype was not available at the time of variant classification. Additional details can be found in publication PMID: 35346344, PMCID: PMC8962531

Color Diagnostics, LLC DBA Color Health
Classification: Uncertain significance for Cardiomyopathy. Last evaluated: 2024-03-06. Review status: criteria provided, single submitter. Criteria: ACMG Guidelines, 2015. Collection method: clinical testing. Allele origin: germline.
Comment: This missense variant replaces serine with tyrosine at codon 305 of the TMEM43 protein. Computational prediction tool suggests that this variant may not impact protein structure and function (internally defined REVEL score threshold <=0.5, PMID: 27666373). Splice site prediction tools suggest that this variant may not impact RNA splicing. To our knowledge, functional studies have not been performed for this variant. This variant has not been reported in individuals affected with cardiovascular disorders in the literature. This variant has been identified in 6/251454 chromosomes in the general population by the Genome Aggregation Database (gnomAD). The available evidence is insufficient to determine the role of this variant in disease conclusively. Therefore, this variant is classified as a Variant of Uncertain Significance.

Labcorp Genetics (formerly Invitae), Labcorp
Classification: Uncertain significance for Arrhythmogenic right ventricular dysplasia 5. Last evaluated: 2023-08-16. Review status: criteria provided, single submitter. Criteria: Invitae Variant Classification Sherloc (09022015). Collection method: clinical testing. Allele origin: germline.
Comment: Advanced modeling of protein sequence and biophysical properties (such as structural, functional, and spatial information, amino acid conservation, physicochemical variation, residue mobility, and thermodynamic stability) performed at Invitae indicates that this missense variant is not expected to disrupt TMEM43 protein function. ClinVar contains an entry for this variant (Variation ID: 925267). This variant has not been reported in the literature in individuals affected with TMEM43-related conditions. This variant is present in population databases (rs777277570, gnomAD 0.02%). This sequence change replaces serine, which is neutral and polar, with tyrosine, which is neutral and polar, at codon 305 of the TMEM43 protein (p.Ser305Tyr). In summary, the available evidence is currently insufficient to determine the role of this variant in disease. Therefore, it has been classified as a Variant of Uncertain Significance.

NM_024334.3(TMEM43):c.914C>A (p.Ser305Tyr)

Gene: TMEM43 (transmembrane protein 43; plus strand). Cytogenetic location: 3p25.1.
Variant type: single nucleotide variant.
Coding change: c.914C>A on transcript NM_024334.3 (MANE Select); coding-DNA position 914, C replaced by A.
Protein change: p.Ser305Tyr; replaces serine 305 with tyrosine.
Molecular consequence: missense variant.
Genome position (GRCh38, 1-based): chr3:14,139,211, C>A. VCF-style: chr3-14139211-C-A. GRCh37 (hg19) VCF-style: chr3-14180711-C-A.
Other names: short protein forms S305Y.
Identifiers: ClinVar variation 925267 (VCV000925267.8), dbSNP rs777277570, ClinGen allele CA056247.